The following is an entry in ClinVar:

ClinVar aggregate classification (germline): Uncertain significance (1 of 4 stars; one submission).

Submission:

Labcorp Genetics (formerly Invitae), Labcorp
Classification: Uncertain significance. Last evaluated: 2025-06-17. Review status: criteria provided, single submitter. Criteria: Invitae Variant Classification Sherloc (09022015). Collection method: clinical testing. Allele origin: germline.
Comment: This sequence change affects codon 475 of the PRPF3 mRNA. It is a 'silent' change, meaning that it does not change the encoded amino acid sequence of the PRPF3 protein. It affects a nucleotide within the consensus splice site. This variant is not present in population databases (gnomAD no frequency). This variant has not been reported in the literature in individuals affected with PRPF3-related conditions. Algorithms developed to predict the effect of sequence changes on RNA splicing suggest that this variant may disrupt the consensus splice site. In summary, the available evidence is currently insufficient to determine the role of this variant in disease. Therefore, it has been classified as a Variant of Uncertain Significance.

NM_004698.4(PRPF3):c.1425A>G (p.Lys475=)

Gene: PRPF3 (pre-mRNA processing factor 3; plus strand). Cytogenetic location: 1q21.2.
Variant type: single nucleotide variant.
Coding change: c.1425A>G on transcript NM_004698.4 (MANE Select); coding-DNA position 1425, A replaced by G.
Protein change: p.Lys475=; no amino-acid change (lysine 475 retained).
Molecular consequence: synonymous variant. On other transcripts: non-coding transcript variant (4).
Genome position (GRCh38, 1-based): chr1:150,343,451, A>G. VCF-style: chr1-150343451-A-G. GRCh37 (hg19) VCF-style: chr1-150315927-A-G.
Other names: c.1020A>G, p.Lys340= (NM_001350529.1).
Identifiers: ClinVar variation 4721579 (VCV004721579.1).